The following is an entry in ClinVar:

ClinVar aggregate classification (germline): Likely benign. Review status: criteria provided, multiple submitters, no conflicts (2 of 4 stars). 5 submissions from 5 submitters: Likely benign (5). Last evaluated 2025-07-18.

Conditions:
Familial thoracic aortic aneurysm and aortic dissection (TAAD). Also called: Thoracic aortic aneurysms and dissections. Identifiers: Orphanet 91387, MedGen C4707243, MONDO:0019625.
Oto-palato-digital syndrome, type II (OPD2). Also called: Otopalatodigital Syndrome, Type II; FACIOPALATOOSSEOUS SYNDROME; Otopalatodigital Syndrome Type 2 (FLNA-OPD2); OPD II SYNDROME. Identifiers: Orphanet 669, Orphanet 90652, MedGen C1844696, MONDO:0010571, OMIM 304120.
Melnick-Needles syndrome (MNS). Also called: Melnick-Needles Syndrome (FLNA-MNS); MELNICK-NEEDLES OSTEODYSPLASTY; OSTEODYSPLASTY OF MELNICK AND NEEDLES. Identifiers: Orphanet 2484, MedGen C0025237, MONDO:0010650, OMIM 309350.
Heterotopia, periventricular, X-linked dominant (PVNH1). Also called: PERIVENTRICULAR NODULAR HETEROTOPIA 4; HETEROTOPIA, PERIVENTRICULAR, 1; X-linked periventricular heterotopia; PERIVENTRICULAR NODULAR HETEROTOPIA 1. Identifiers: Orphanet 2149, Orphanet 82004, MedGen C1848213, MONDO:0010233, OMIM 300049.
Frontometaphyseal dysplasia (FMD1). Identifiers: Orphanet 1826, MedGen C0265293, MONDO:0015942.

Allele frequency attached by ClinVar (database versions not stated): gnomAD exomes below 0.00001; TOPMed 0.00002.
gnomAD v4.1: 4 of 1,210,229 alleles (0.00033%); highest among the groups gnomAD compares: Non-Finnish European, 0.00045%; no homozygotes.

Submissions (5):

Labcorp Genetics (formerly Invitae), Labcorp
Classification: Likely benign for Oto-palato-digital syndrome, type II; Heterotopia, periventricular, X-linked dominant; Frontometaphyseal dysplasia; Melnick-Needles syndrome. Last evaluated: 2025-07-18. Review status: criteria provided, single submitter. Criteria: Invitae Variant Classification Sherloc (09022015). Collection method: clinical testing. Allele origin: germline.

Mayo Clinic Laboratories, Mayo Clinic
Classification: Likely benign. Last evaluated: 2025-03-26. Review status: criteria provided, single submitter. Criteria: ACMG Guidelines, 2015. Collection method: clinical testing. Allele origin: germline. Observed: 1 variant allele.
Comment: BP4, BP7, PM2_supporting

Ambry Genetics
Classification: Likely benign for Familial thoracic aortic aneurysm and aortic dissection. Last evaluated: 2023-09-06. Review status: criteria provided, single submitter. Criteria: Ambry Variant Classification Scheme 2023. Collection method: clinical testing. Allele origin: germline.

CeGaT Center for Human Genetics Tuebingen
Classification: Likely benign. Last evaluated: 2022-04-01. Review status: criteria provided, single submitter. Criteria: CeGaT Center For Human Genetics Tuebingen Variant Classification Criteria Version 2. Collection method: clinical testing. Allele origin: germline. Affected: yes. Observed: 1 variant allele.
Comment: FLNA: PM2:Supporting, BP4, BP7

Blueprint Genetics
Classification: Likely benign. Last evaluated: 2020-02-21. Review status: criteria provided, single submitter. Criteria: ACMG Guidelines, 2015. Collection method: clinical testing. Allele origin: germline.

NM_001110556.2(FLNA):c.5010G>A (p.Thr1670=)

Gene: FLNA (filamin A; minus strand). Cytogenetic location: Xq28.
Variant type: single nucleotide variant.
Coding change: c.5010G>A on transcript NM_001110556.2 (MANE Select); coding-DNA position 5010, G replaced by A.
Protein change: p.Thr1670=; no amino-acid change (threonine 1670 retained).
Molecular consequence: synonymous variant.
Genome position (GRCh38, 1-based): chrX:154,355,032, C>T on the plus strand (G>A on the coding strand, the complement: FLNA is on the minus strand). VCF-style: chrX-154355032-C-T. GRCh37 (hg19) VCF-style: chrX-153583400-C-T.
Other names: p.Thr1662=; c.4986G>A, p.Thr1662= (NM_001456.4); c.4986G>A (NM_001456.3).
Identifiers: ClinVar variation 1161009 (VCV001161009.43), dbSNP rs1449966344, ClinGen allele CA519707472.